The following is an entry in ClinVar:

ClinVar aggregate classification (germline): Uncertain significance (1 of 4 stars; one submission).

Conditions:
Retinoblastoma (RB1). Also called: RETINOBLASTOMA, SOMATIC. Identifiers: MONDO:0008380, OMIM 180200, HP:0009919, Orphanet 790, MedGen C0035335, MeSH D012175. Disease mechanism: loss of function. Inheritance: Both sporadic and heritable forms are tested..

Submission:

Labcorp Genetics (formerly Invitae), Labcorp
Classification: Uncertain significance for Retinoblastoma. Last evaluated: 2024-02-23. Review status: criteria provided, single submitter. Criteria: Invitae Variant Classification Sherloc (09022015). Collection method: clinical testing. Allele origin: germline.
Comment: This sequence change replaces proline, which is neutral and non-polar, with serine, which is neutral and polar, at codon 33 of the RB1 protein (p.Pro33Ser). This variant is not present in population databases (gnomAD no frequency). This variant has not been reported in the literature in individuals affected with RB1-related conditions. Advanced modeling of protein sequence and biophysical properties (such as structural, functional, and spatial information, amino acid conservation, physicochemical variation, residue mobility, and thermodynamic stability) has been performed at Invitae for this missense variant, however the output from this modeling did not meet the statistical confidence thresholds required to predict the impact of this variant on RB1 protein function. In summary, the available evidence is currently insufficient to determine the role of this variant in disease. Therefore, it has been classified as a Variant of Uncertain Significance.

NM_000321.3(RB1):c.97C>T (p.Pro33Ser)

Gene: RB1 (RB transcriptional corepressor 1; plus strand). Cytogenetic location: 13q14.2.
Variant type: single nucleotide variant.
Coding change: c.97C>T on transcript NM_000321.3 (MANE Select); coding-DNA position 97, C replaced by T.
Protein change: p.Pro33Ser; replaces proline 33 with serine.
Molecular consequence: missense variant.
Genome position (GRCh38, 1-based): chr13:48,304,009, C>T. VCF-style: chr13-48304009-C-T. GRCh37 (hg19) VCF-style: chr13-48878145-C-T.
Other names: c.97C>T, p.Pro33Ser (NM_001407165.1, NM_001407166.1, NM_001407167.1); short protein forms P33S.
Identifiers: ClinVar variation 2911886 (VCV002911886.3), dbSNP rs2138027777, ClinGen allele CA388250318.